The following is an entry in ClinVar:

ClinVar aggregate classification (germline): Likely benign. Review status: criteria provided, multiple submitters, no conflicts (2 of 4 stars). 2 submissions from 2 submitters: Likely benign (2). Last evaluated 2025-08-29.

Conditions:
Limb-girdle muscular dystrophy due to POMK deficiency. Also called: MUSCULAR DYSTROPHY-DYSTROGLYCANOPATHY, LIMB-GIRDLE, POMK-RELATED; Muscular dystrophy-dystroglycanopathy (limb-girdle), type c, 12. Identifiers: Orphanet 445110, MedGen C4015184, MONDO:0014489, OMIM 616094.
Muscular dystrophy-dystroglycanopathy (congenital with brain and eye anomalies), type a, 12 (MDDGA12). Also called: WALKER-WARBURG SYNDROME OR MUSCLE-EYE-BRAIN DISEASE, POMK-RELATED. Identifiers: Orphanet 899, MedGen C3808964, MONDO:0014101, OMIM 615249.

Allele frequency attached by ClinVar (database versions not stated): gnomAD exomes 0.00004; TOPMed 0.00007; gnomAD 0.00011.
gnomAD v4.1: 72 of 1,613,724 alleles (0.0045%); highest among the groups gnomAD compares: African/African-American, 0.012%; no homozygotes.

Submissions (2):

Labcorp Genetics (formerly Invitae), Labcorp
Classification: Likely benign for Muscular dystrophy-dystroglycanopathy (congenital with brain and eye anomalies), type a, 12; Limb-girdle muscular dystrophy due to POMK deficiency. Last evaluated: 2025-08-29. Review status: criteria provided, single submitter. Criteria: Invitae Variant Classification Sherloc (09022015). Collection method: clinical testing. Allele origin: germline.

GeneDx
Classification: Likely benign. Last evaluated: 2017-03-09. Review status: criteria provided, single submitter. Criteria: GeneDx Variant Classification (06012015). Collection method: clinical testing. Allele origin: germline. Affected: yes.
Comment: This variant is considered likely benign or benign based on one or more of the following criteria: it is a conservative change, it occurs at a poorly conserved position in the protein, it is predicted to be benign by multiple in silico algorithms, and/or has population frequency not consistent with disease.

NM_032237.5(POMK):c.54G>A (p.Pro18=)

Gene: POMK (protein O-mannose kinase; plus strand). Cytogenetic location: 8p11.21.
Variant type: single nucleotide variant.
Coding change: c.54G>A on transcript NM_032237.5 (MANE Select); coding-DNA position 54, G replaced by A.
Protein change: p.Pro18=; no amino-acid change (proline 18 retained).
Molecular consequence: synonymous variant.
Genome position (GRCh38, 1-based): chr8:43,103,602, G>A. VCF-style: chr8-43103602-G-A. GRCh37 (hg19) VCF-style: chr8-42958745-G-A.
Other names: c.54G>A, p.Pro18= (NM_001277971.2).
Identifiers: ClinVar variation 508002 (VCV000508002.8), dbSNP rs201226142, ClinGen allele CA4736184.